The following is an entry in ClinVar:

ClinVar aggregate classification (germline): Uncertain significance. Review status: criteria provided, multiple submitters, no conflicts (2 of 4 stars). 2 submissions from 2 submitters: Uncertain significance (2). Last evaluated 2024-06-16.

Conditions:
Inborn genetic diseases. Identifiers: MedGen C0950123, MeSH D030342.

Allele frequency attached by ClinVar (database versions not stated): gnomAD exomes below 0.00001; ExAC 0.00001; gnomAD 0.00001.
gnomAD v4.1: 3 of 1,583,768 alleles (0.00019%); highest among the groups gnomAD compares: Non-Finnish European, 0.00026%; no homozygotes.

Submissions (2):

Ambry Genetics
Classification: Uncertain significance for Inborn genetic diseases. Last evaluated: 2024-06-16. Review status: criteria provided, single submitter. Criteria: Ambry Variant Classification Scheme 2023. Collection method: clinical testing. Allele origin: germline.

GeneDx
Classification: Uncertain significance. Last evaluated: 2023-04-28. Review status: criteria provided, single submitter. Criteria: GeneDx Variant Classification Process June 2021. Collection method: clinical testing. Allele origin: germline. Affected: yes.
Comment: Not observed at significant frequency in large population cohorts (gnomAD); In silico analysis supports that this missense variant does not alter protein structure/function; Has not been previously published as pathogenic or benign to our knowledge

NM_024989.4(PGAP1):c.2591C>T (p.Ala864Val)

Gene: PGAP1 (post-GPI attachment to proteins inositol deacylase 1; minus strand). Cytogenetic location: 2q33.1.
Variant type: single nucleotide variant.
Coding change: c.2591C>T on transcript NM_024989.4 (MANE Select); coding-DNA position 2591, C replaced by T.
Protein change: p.Ala864Val; replaces alanine 864 with valine.
Molecular consequence: missense variant.
Genome position (GRCh38, 1-based): chr2:196,842,760, G>A on the plus strand (C>T on the coding strand, the complement: PGAP1 is on the minus strand). VCF-style: chr2-196842760-G-A. GRCh37 (hg19) VCF-style: chr2-197707484-G-A.
Other names: c.2069C>T, p.Ala690Val (NM_001321099.2); c.1424C>T, p.Ala475Val (NM_001321100.2); short protein forms A475V, A690V, A864V.
Identifiers: ClinVar variation 2663550 (VCV002663550.2), dbSNP rs749798369, ClinGen allele CA2040590.